The following is an entry in ClinVar:

ClinVar aggregate classification (germline): Pathogenic/Likely pathogenic. Review status: criteria provided, multiple submitters, no conflicts (2 of 4 stars). 10 submissions from 10 submitters: Pathogenic (5); Likely pathogenic (4). 1 of the submissions does not count toward it. Last evaluated 2026-06-15.

Conditions:
Homocystinuria. Identifiers: MedGen C0019880, MONDO:0004737, HP:0002156.
Familial thoracic aortic aneurysm and aortic dissection (TAAD). Also called: Thoracic aortic aneurysms and dissections. Identifiers: Orphanet 91387, MedGen C4707243, MONDO:0019625.
HYPERHOMOCYSTEINEMIA, THROMBOTIC, CBS-RELATED. Identifiers: MedGen C3150344, OMIM 236200.
CBS-related disorder. Also called: CBS-related condition.
Classic homocystinuria. Also called: HOMOCYSTINURIA WITH OR WITHOUT RESPONSE TO PYRIDOXINE; Homocystinuria due to CBS deficiency; Cystathionine beta-synthase deficiency; CBS deficiency; Homocystinuria due to Cystathionine Beta-Synthase Deficiency. Identifiers: Orphanet 394, MedGen C0751202, MONDO:0009352, OMIM 236200.

Submissions (10):

Women's Health and Genetics/Laboratory Corporation of America, LabCorp
Classification: Pathogenic for Homocystinuria. Last evaluated: 2026-06-15. Review status: criteria provided, single submitter. Criteria: LabCorp Variant Classification Summary - May 2015. Collection method: clinical testing. Allele origin: germline.
Comment: Variant summary: CBS c.816T>A (p.Cys272X) results in a premature termination codon, predicted to cause a truncation of the encoded protein or absence of the protein due to nonsense mediated decay, which are commonly known mechanisms for disease. The frequency data for this variant in gnomAD is considered unreliable, as metrics indicate poor data quality at this position. To our knowledge, no occurrence of c.816T>A in individuals affected with CBS-related conditions and no experimental evidence demonstrating its impact on protein function have been reported. ClinVar contains an entry for this variant (Variation ID: 439461). Based on the evidence outlined above, the variant was classified as pathogenic.

Labcorp Genetics (formerly Invitae), Labcorp
Classification: Pathogenic for HYPERHOMOCYSTEINEMIA, THROMBOTIC, CBS-RELATED. Last evaluated: 2025-02-28. Review status: criteria provided, single submitter. Criteria: Invitae Variant Classification Sherloc (09022015). Collection method: clinical testing. Allele origin: germline.
Comment: This sequence change creates a premature translational stop signal (p.Cys272*) in the CBS gene. It is expected to result in an absent or disrupted protein product. Loss-of-function variants in CBS are known to be pathogenic (PMID: 10338090, 12124992). This variant is not present in population databases (gnomAD no frequency). This variant has not been reported in the literature in individuals affected with CBS-related conditions. ClinVar contains an entry for this variant (Variation ID: 439461). For these reasons, this variant has been classified as Pathogenic.

Ambry Genetics
Classification: Pathogenic for Familial thoracic aortic aneurysm and aortic dissection. Last evaluated: 2025-01-18. Review status: criteria provided, single submitter. Criteria: Ambry Variant Classification Scheme 2023. Collection method: clinical testing. Allele origin: germline.
Comment: The p.C272* pathogenic mutation (also known as c.816T>A), located in coding exon 7 of the CBS gene, results from a T to A substitution at nucleotide position 816. This changes the amino acid from a cysteine to a stop codon within coding exon 7. This variant is considered to be rare based on population cohorts in the Genome Aggregation Database (gnomAD). This alteration is expected to result in loss of function by premature protein truncation or nonsense-mediated mRNA decay. As such, this alteration is interpreted as a disease-causing mutation.

PreventionGenetics, part of Exact Sciences
Classification: Pathogenic for CBS-related condition. Last evaluated: 2025-01-02. Review status: criteria provided, single submitter. Criteria: ACMG Guidelines, 2015. Collection method: clinical testing. Allele origin: germline.
Comment: The CBS c.816T>A variant is predicted to result in premature protein termination (p.Cys272*). To our knowledge, this variant has not been reported in the literature. This variant has not been reported in a large population database (gnomAD), indicating this variant is rare. Nonsense variants in CBS are expected to be pathogenic. This variant is interpreted as pathogenic.

Natera, Inc.
Classification: Likely pathogenic for Homocystinuria due to cystathionine beta-synthase deficiency. Last evaluated: 2024-11-05. Review status: criteria provided, single submitter. Criteria: Natera Variant Classification Schema (03/2026). Collection method: clinical testing. Allele origin: germline.
Comment: The c.816T>A variant in CBS is a nonsense variant predicted to introduce a stop codon at amino acid 272. This variant is expected to result in nonsense mediated decay, truncation, or a dysfunctional protein product. This variant is rare in the general population with a frequency below the threshold expected for the associated phenotype(s). Given the available evidence, this variant is classified as Likely Pathogenic.

CeGaT Center for Human Genetics Tuebingen
Classification: Pathogenic. Last evaluated: 2024-07-01. Review status: criteria provided, single submitter. Criteria: CeGaT Center For Human Genetics Tuebingen Variant Classification Criteria Version 2. Collection method: clinical testing. Allele origin: germline. Affected: yes. Observed: 1 variant allele.
Comment: CBS: PVS1, PM2, PP4:Moderate

GeneDx
Classification: Likely pathogenic. Last evaluated: 2024-05-17. Review status: criteria provided, single submitter. Criteria: GeneDx Variant Classification Process June 2021. Collection method: clinical testing. Allele origin: germline. Affected: yes.
Comment: Has not been previously published as pathogenic or benign to our knowledge; Not observed at significant frequency in large population cohorts (gnomAD); Nonsense variant predicted to result in protein truncation or nonsense mediated decay in a gene for which loss of function is a known mechanism of disease

Baylor Genetics
Classification: Likely pathogenic for Classic homocystinuria. Last evaluated: 2023-12-19. Review status: criteria provided, single submitter. Criteria: ACMG Guidelines, 2015. Collection method: clinical testing. Allele origin: unknown.

ARUP Laboratories, Molecular Genetics and Genomics, ARUP Laboratories
Classification: Likely pathogenic. Last evaluated: 2017-05-29. Review status: criteria provided, single submitter. Criteria: ARUP Molecular Germline Variant Investigation Process. Collection method: clinical testing. Allele origin: germline.
Comment: The p.Cys272Ter variant (rs528689432) has not been reported in the medical literature, gene specific variation databases, nor has it been previously identified by our laboratory. The c.816T>A variant creates a termination codon in the CBS protein at position 272 in exon 9 which is predicted to result in a truncated or absent protein product. It is absent from general population databases such as 1000 Genomes, NHLBI GO Exome Sequencing Project (ESP), and the Exome Aggregation Consortium (ExAC) browser. Based on these observations the p.Cys272Ter variant has been classified as likely pathogenic.

Counsyl
Classification: Likely pathogenic for Classic homocystinuria. Last evaluated: 2018-03-05. Review status: no assertion criteria provided. Collection method: clinical testing. Allele origin: unknown. Not counted in ClinVar's aggregate classification.

Literature cited by the submitters: PubMed 10338090 (cited by Labcorp Genetics (formerly Invitae), Labcorp); PubMed 12124992 (cited by Labcorp Genetics (formerly Invitae), Labcorp).

NM_000071.3(CBS):c.816T>A (p.Cys272Ter)

Gene: CBS (cystathionine beta-synthase; minus strand). Cytogenetic location: 21q22.3.
Variant type: single nucleotide variant.
Coding change: c.816T>A on transcript NM_000071.3 (MANE Select); coding-DNA position 816, T replaced by A.
Protein change: p.Cys272Ter; replaces cysteine 272 with a stop codon.
Molecular consequence: nonsense.
Genome position (GRCh38, 1-based): chr21:43,063,912, A>T on the plus strand (T>A on the coding strand, the complement: CBS is on the minus strand). VCF-style: chr21-43063912-A-T. GRCh37 (hg19) VCF-style: chr21-44484022-A-T.
Other names: c.816T>A, p.Cys272Ter (NM_001178008.3, NM_001178009.3, NM_001320298.2); c.501T>A, p.Cys167Ter (NM_001321072.1); short protein forms C272*, C167*.
Identifiers: ClinVar variation 439461 (VCV000439461.44), dbSNP rs528689432, ClinGen allele CA321094214.